The following is an entry in ClinVar:

NM_000493.4(COL10A1):c.1633G>C (p.Gly545Arg)

Genes: COL10A1 (collagen type X alpha 1 chain; minus strand), NT5DC1 (5'-nucleotidase domain containing 1; plus strand). Cytogenetic location: 6q22.1.
Variant type: single nucleotide variant.
Coding change: c.1633G>C on transcript NM_000493.4 (MANE Select); coding-DNA position 1633, G replaced by C.
Protein change: p.Gly545Arg; replaces glycine 545 with arginine.
Molecular consequence: missense variant. On other transcripts: intron variant (1).
Genome position (GRCh38, 1-based): chr6:116,120,483, C>G on the plus strand (G>C on the coding strand, the complement: COL10A1 is on the minus strand). VCF-style: chr6-116120483-C-G. GRCh37 (hg19) VCF-style: chr6-116441646-C-G.
Other names: c.1633G>C, p.Gly545Arg (NM_001424106.1, NM_001424107.1); c.529+2538C>G (NM_152729.3); short protein forms G545R.
Identifiers: ClinVar variation 256260 (VCV000256260.17), dbSNP rs2228547, ClinGen allele CA3968138.
Genomic context (GRCh38, chr6:116,120,483, plus strand): 5'-TTGCTGGGTAAGCTTTGGAGAGAATAACAGTAAAAGCAGACACAGGCATTCCTGTTACCC[C>G]CTGGTTGGCACTAACAAGAGGGGTCCCAGAAAGACTGGGCCTTTGGCCTGCCTTTATAAA-3'
Protein context (NP_000484.2, residues 535-555): SGTPLVSANQ[Gly545Arg]VTGMPVSAFT

ClinVar aggregate classification (germline): Benign/Likely benign. Review status: criteria provided, multiple submitters, no conflicts (2 of 4 stars). 6 submissions from 6 submitters: Benign (5); Likely benign (1). Last evaluated 2026-05-08.

Conditions:
Metaphyseal chondrodysplasia, Schmid type (MCDS). Also called: SPONDYLOMETAPHYSEAL DYSPLASIA, JAPANESE TYPE. Identifiers: Orphanet 174, MedGen C0265289, MONDO:0007983, OMIM 156500.

Allele frequency attached by ClinVar (database versions not stated): gnomAD 0.16599 and 0.16401; 1000 Genomes Project 30x 0.21268; 1000 Genomes Project 0.21366; ESP Exome Variant Server 0.16093; TOPMed 0.16303.
gnomAD v4.1: 214,768 of 1,614,074 alleles (13%); highest among the groups gnomAD compares: African/African-American, 26%; 16,466 homozygotes.

Submissions (6):

Women's Health and Genetics/Laboratory Corporation of America, LabCorp
Classification: Likely benign. Last evaluated: 2026-05-08. Review status: criteria provided, single submitter. Criteria: LabCorp Variant Classification Summary - May 2015. Collection method: clinical testing. Allele origin: germline.

Labcorp Genetics (formerly Invitae), Labcorp
Classification: Benign. Last evaluated: 2026-02-01. Review status: criteria provided, single submitter. Criteria: Invitae Variant Classification Sherloc (09022015). Collection method: clinical testing. Allele origin: germline.

Mendelics
Classification: Benign for Metaphyseal chondrodysplasia, Schmid type. Last evaluated: 2019-05-28. Review status: criteria provided, single submitter. Criteria: Mendelics Assertion Criteria 2017. Collection method: clinical testing. Allele origin: unknown.

GeneDx
Classification: Benign. Last evaluated: 2018-10-16. Review status: criteria provided, single submitter. Criteria: GeneDx Variant Classification Process June 2021. Collection method: clinical testing. Allele origin: germline. Affected: yes.
Comment: This variant is associated with the following publications: (PMID: 28651521)

Illumina Laboratory Services, Illumina
Classification: Benign for Metaphyseal chondrodysplasia, Schmid type. Last evaluated: 2018-01-13. Review status: criteria provided, single submitter. Criteria: ICSL Variant Classification Criteria 13 December 2019. Collection method: clinical testing. Allele origin: germline.
Comment: This variant was observed in the ICSL laboratory as part of a predisposition screen in an ostensibly healthy population. It had not been previously curated by ICSL or reported in the Human Gene Mutation Database (HGMD: prior to June 1st, 2018), and was therefore a candidate for classification through an automated scoring system. Utilizing variant allele frequency, disease prevalence and penetrance estimates, and inheritance mode, an automated score was calculated to assess if this variant is too frequent to cause the disease. Based on the score and internal cut-off values, a variant classified as benign is not then subjected to further curation. The score for this variant resulted in a classification of benign for this disease.

PreventionGenetics, part of Exact Sciences
Classification: Benign. Review status: criteria provided, single submitter. Criteria: ACMG Guidelines, 2015. Collection method: clinical testing. Allele origin: germline.